The following is an entry in ClinVar:

ClinVar aggregate classification (germline): Uncertain significance. Review status: criteria provided, multiple submitters, no conflicts (2 of 4 stars). 4 submissions from 4 submitters: Uncertain significance (4). Last evaluated 2025-12-01.

Conditions:
Hypokalemic periodic paralysis, type 1. Also called: HypoPP; Hypokalemic Periodic Paralysis Type 1 (AD). Identifiers: Orphanet 681, MedGen C3714580, MONDO:0042979, OMIM 170400.
Hyperkalemic periodic paralysis. Also called: Familial hyperkalemic periodic paralysis; Gamstorp disease. Identifiers: Orphanet 682, MedGen C0238357, MONDO:0008224, OMIM 170500, HP:0007215.
Paramyotonia congenita of Von Eulenburg. Also called: Eulenburg disease; Myotonia congenita intermittens; Von Eulenburg paramyotonia congenita; Paramyotonia Congenita; PARALYSIS PERIODICA PARAMYOTONICA. Identifiers: Orphanet 684, MedGen C0221055, MONDO:0008195, OMIM 168300. Disease mechanism: loss of function.
Hypokalemic periodic paralysis, type 2 (HOKPP2). Identifiers: Orphanet 681, MedGen C2750061, MONDO:0013234, OMIM 613345.
Potassium-aggravated myotonia. Also called: MYOTONIA CONGENITA, ACETAZOLAMIDE-RESPONSIVE; MYOTONIA CONGENITA, ATYPICAL; SODIUM CHANNEL MUSCLE DISEASE; Myotonia congenita, atypical, acetazolamide-responsive. Identifiers: Orphanet 612, Orphanet 99734, Orphanet 99735, Orphanet 99736, MedGen C2931826, MONDO:0018959, OMIM 608390.
Congenital myasthenic syndrome 16. Identifiers: Orphanet 590, MedGen C3280112, MONDO:0013620, OMIM 614198.
Inborn genetic diseases. Identifiers: MedGen C0950123, MeSH D030342.

Allele frequency attached by ClinVar (database versions not stated): gnomAD 0.00004; TOPMed 0.00003; ESP Exome Variant Server 0.00008; 1000 Genomes Project 30x 0.00016; 1000 Genomes Project 0.00020; gnomAD exomes 0.00006 and 0.00003; ExAC 0.00006.
gnomAD v4.1: 94 of 1,613,964 alleles (0.0058%); highest among the groups gnomAD compares: Non-Finnish European, 0.0073%; no homozygotes.

Submissions (4):

Labcorp Genetics (formerly Invitae), Labcorp
Classification: Uncertain significance for Hyperkalemic periodic paralysis. Last evaluated: 2025-12-01. Review status: criteria provided, single submitter. Criteria: Invitae Variant Classification Sherloc (09022015). Collection method: clinical testing. Allele origin: germline.
Comment: This sequence change replaces aspartic acid, which is acidic and polar, with asparagine, which is neutral and polar, at codon 289 of the SCN4A protein (p.Asp289Asn). This variant is present in population databases (rs376680315, gnomAD 0.01%). This variant has not been reported in the literature in individuals affected with SCN4A-related conditions. ClinVar contains an entry for this variant (Variation ID: 835289). Invitae Evidence Modeling of protein sequence and biophysical properties (such as structural, functional, and spatial information, amino acid conservation, physicochemical variation, residue mobility, and thermodynamic stability) indicates that this missense variant is not expected to disrupt SCN4A protein function with a negative predictive value of 95%. In summary, the available evidence is currently insufficient to determine the role of this variant in disease. Therefore, it has been classified as a Variant of Uncertain Significance.

Ambry Genetics
Classification: Uncertain significance for Inborn genetic diseases. Last evaluated: 2025-02-11. Review status: criteria provided, single submitter. Criteria: Ambry Variant Classification Scheme 2023. Collection method: clinical testing. Allele origin: germline.

Fulgent Genetics
Classification: Uncertain significance for Paramyotonia congenita of Von Eulenburg; Hypokalemic periodic paralysis, type 1; Hyperkalemic periodic paralysis; Potassium-aggravated myotonia; Hypokalemic periodic paralysis, type 2; Congenital myasthenic syndrome 16. Last evaluated: 2022-02-02. Review status: criteria provided, single submitter. Criteria: ACMG Guidelines, 2015. Collection method: clinical testing. Allele origin: unknown.

CeGaT Center for Human Genetics Tuebingen
Classification: Uncertain significance. Last evaluated: 2020-08-01. Review status: criteria provided, single submitter. Criteria: CeGaT Center For Human Genetics Tuebingen Variant Classification Criteria Version 2. Collection method: clinical testing. Allele origin: germline. Affected: yes. Observed: 1 variant allele.

NM_000334.4(SCN4A):c.865G>A (p.Asp289Asn)

Gene: SCN4A (sodium voltage-gated channel alpha subunit 4; minus strand). Cytogenetic location: 17q23.3.
Variant type: single nucleotide variant.
Coding change: c.865G>A on transcript NM_000334.4 (MANE Select); coding-DNA position 865, G replaced by A.
Protein change: p.Asp289Asn; replaces aspartic acid 289 with asparagine.
Molecular consequence: missense variant.
Genome position (GRCh38, 1-based): chr17:63,968,194, C>T on the plus strand (G>A on the coding strand, the complement: SCN4A is on the minus strand). VCF-style: chr17-63968194-C-T. GRCh37 (hg19) VCF-style: chr17-62045554-C-T.
Other names: short protein forms D289N.
Identifiers: ClinVar variation 835289 (VCV000835289.47), dbSNP rs376680315, ClinGen allele CA8710018.